The following is an entry in ClinVar:

NM_000436.4(OXCT1):c.564+4A>G

Gene: OXCT1 (3-oxoacid CoA-transferase 1; minus strand). Cytogenetic location: 5p13.1.
Variant type: single nucleotide variant.
Coding change: c.564+4A>G on transcript NM_000436.4 (MANE Select); 4 bases into the intron after coding-DNA position 564, A replaced by G.
Molecular consequence: intron variant.
Genome position (GRCh38, 1-based): chr5:41,850,026, T>C on the plus strand (A>G on the coding strand, the complement: OXCT1 is on the minus strand). VCF-style: chr5-41850026-T-C. GRCh37 (hg19) VCF-style: chr5-41850128-T-C.
Other names: p.?; c.564+4A>G (NM_001364301.2, NM_001364302.2); c.585+4A>G (NM_001364299.2, NM_001364300.2).
Identifiers: ClinVar variation 762567 (VCV000762567.14), dbSNP rs552141423, ClinGen allele CA3253585.

ClinVar aggregate classification (germline): Likely benign. Review status: criteria provided, multiple submitters, no conflicts (2 of 4 stars). 3 submissions from 3 submitters: Likely benign (3). Last evaluated 2025-11-02.

Conditions:
Succinyl-CoA acetoacetate transferase deficiency (SCOTD). Also called: SUCCINYL-CoA:3-KETOACID CoA-TRANSFERASE DEFICIENCY; KETOACIDOSIS DUE TO SCOT DEFICIENCY; SCOT DEFICIENCY; 3-Oxoacid CoA Transferase Deficiency; Succinyl CoA:3-oxoacid CoA transferase deficiency. Identifiers: Orphanet 832, MedGen C0342792, MONDO:0009492, OMIM 245050.

Allele frequency attached by ClinVar (database versions not stated): gnomAD 0.00001 and 0.00018; TOPMed 0.00004; gnomAD exomes 0.00031 and 0.00060; ExAC 0.00073; 1000 Genomes Project 30x 0.00203; 1000 Genomes Project 0.00240.
gnomAD v4.1: 483 of 1,613,626 alleles (0.03%); highest among the groups gnomAD compares: South Asian, 0.51%; 3 homozygotes.

Submissions (3):

Labcorp Genetics (formerly Invitae), Labcorp
Classification: Likely benign for Succinyl-CoA acetoacetate transferase deficiency. Last evaluated: 2025-11-02. Review status: criteria provided, single submitter. Criteria: Invitae Variant Classification Sherloc (09022015). Collection method: clinical testing. Allele origin: germline.

Mayo Clinic Laboratories, Mayo Clinic
Classification: Likely benign. Last evaluated: 2025-05-07. Review status: criteria provided, single submitter. Criteria: ACMG Guidelines, 2015. Collection method: clinical testing. Allele origin: germline. Observed: 1 variant allele.
Comment: BS1, BP4, BP7

Illumina Laboratory Services, Illumina
Classification: Likely benign for Succinyl-CoA acetoacetate transferase deficiency. Last evaluated: 2018-01-13. Review status: criteria provided, single submitter. Criteria: ICSL Variant Classification Criteria 13 December 2019. Collection method: clinical testing. Allele origin: germline.
Comment: This variant was observed in the ICSL laboratory as part of a predisposition screen in an ostensibly healthy population. It had not been previously curated by ICSL or reported in the Human Gene Mutation Database (HGMD: prior to June 1st, 2018), and was therefore a candidate for classification through an automated scoring system. Utilizing variant allele frequency, disease prevalence and penetrance estimates, and inheritance mode, an automated score was calculated to assess if this variant is too frequent to cause the disease. Based on the score and internal cut-off values, a variant classified as likely benign is not then subjected to further curation. The score for this variant resulted in a classification of likely benign for this disease.